The following is an entry in ClinVar:

ClinVar aggregate classification (germline): Uncertain significance. Review status: criteria provided, multiple submitters, no conflicts (2 of 4 stars). 2 submissions from 2 submitters: Uncertain significance (2). Last evaluated 2024-12-02.

Conditions:
Inborn genetic diseases. Identifiers: MedGen C0950123, MeSH D030342.
Hyperekplexia 2 (HKPX2). Identifiers: Orphanet 3197, MedGen C3553291, MONDO:0013828, OMIM 614619.

Allele frequency attached by ClinVar (database versions not stated): ExAC 0.00001; gnomAD exomes 0.00001; gnomAD 0.00005 and 0.00006; TOPMed 0.00007.
gnomAD v4.1: 15 of 1,613,864 alleles (0.00093%); highest among the groups gnomAD compares: African/African-American, 0.02%; no homozygotes.

Submissions (2):

Labcorp Genetics (formerly Invitae), Labcorp
Classification: Uncertain significance for Hyperekplexia 2. Last evaluated: 2024-12-02. Review status: criteria provided, single submitter. Criteria: Invitae Variant Classification Sherloc (09022015). Collection method: clinical testing. Allele origin: germline.
Comment: This sequence change replaces valine, which is neutral and non-polar, with methionine, which is neutral and non-polar, at codon 352 of the GLRB protein (p.Val352Met). This variant is present in population databases (rs764867861, gnomAD 0.01%). This variant has not been reported in the literature in individuals affected with GLRB-related conditions. ClinVar contains an entry for this variant (Variation ID: 1413419). Invitae Evidence Modeling of protein sequence and biophysical properties (such as structural, functional, and spatial information, amino acid conservation, physicochemical variation, residue mobility, and thermodynamic stability) indicates that this missense variant is not expected to disrupt GLRB protein function with a negative predictive value of 80%. In summary, the available evidence is currently insufficient to determine the role of this variant in disease. Therefore, it has been classified as a Variant of Uncertain Significance.

Ambry Genetics
Classification: Uncertain significance for Inborn genetic diseases. Last evaluated: 2022-09-22. Review status: criteria provided, single submitter. Criteria: Ambry Variant Classification Scheme 2023. Collection method: clinical testing. Allele origin: germline.

NM_000824.5(GLRB):c.1054G>A (p.Val352Met)

Gene: GLRB (glycine receptor beta; plus strand). Cytogenetic location: 4q32.1.
Variant type: single nucleotide variant.
Coding change: c.1054G>A on transcript NM_000824.5 (MANE Select); coding-DNA position 1054, G replaced by A.
Protein change: p.Val352Met; replaces valine 352 with methionine.
Molecular consequence: missense variant. On other transcripts: intron variant (1).
Genome position (GRCh38, 1-based): chr4:157,152,867, G>A. VCF-style: chr4-157152867-G-A. GRCh37 (hg19) VCF-style: chr4-158074019-G-A.
Other names: c.1054G>A, p.Val352Met (NM_001166060.2); c.904+8908G>A (NM_001166061.2); c.1054G>A (NM_000824.4); short protein forms V352M.
Identifiers: ClinVar variation 1413419 (VCV001413419.6), dbSNP rs764867861, ClinGen allele CA3119932.